The following is an entry in ClinVar:

ClinVar aggregate classification (germline): Conflicting classifications of pathogenicity. Review status: criteria provided, conflicting classifications (1 of 4 stars). 4 submissions from 4 submitters: Uncertain significance (2); Benign (1); Likely benign (1). Last evaluated 2026-01-06.

Conditions:
Collagen 6-related myopathy. Identifiers: MedGen CN117976, MONDO:0100225.
Bethlem myopathy 1A. Also called: Bethlem myopathy 1; MYOPATHY, BENIGN CONGENITAL, WITH CONTRACTURES; Bethlem Muscular Dystrophy. Identifiers: Orphanet 610, MedGen CN029274, MONDO:0024530, OMIM 158810.

Allele frequency attached by ClinVar (database versions not stated): gnomAD 0.00009 and 0.00014; gnomAD exomes 0.00009 and 0.00015; TOPMed 0.00012; ExAC 0.00020; 1000 Genomes Project 0.00060; 1000 Genomes Project 30x 0.00062.
gnomAD v4.1: 153 of 1,614,072 alleles (0.0095%); highest among the groups gnomAD compares: South Asian, 0.074%; 1 homozygote.

Submissions (4):

Labcorp Genetics (formerly Invitae), Labcorp
Classification: Likely benign for Bethlem myopathy 1A. Last evaluated: 2026-01-06. Review status: criteria provided, single submitter. Criteria: Invitae Variant Classification Sherloc (09022015). Collection method: clinical testing. Allele origin: germline.

Women's Health and Genetics/Laboratory Corporation of America, LabCorp
Classification: Uncertain significance. Last evaluated: 2025-12-12. Review status: criteria provided, single submitter. Criteria: LabCorp Variant Classification Summary - May 2015. Collection method: clinical testing. Allele origin: germline.
Comment: Variant summary: COL6A3 c.7173C>T (p.Tyr2391Tyr) alters a conserved nucleotide located close to a canonical splice site and therefore could affect mRNA splicing, leading to a significantly altered protein sequence. Consensus agreement among computation tools predict no significant impact on normal splicing. However, these predictions have yet to be confirmed by functional studies. The variant allele was found at a frequency of 0.00015 in 250678 control chromosomes. This frequency is not significantly higher than estimated for disease-causing variants in COL6A3, allowing no conclusion about variant significance. To our knowledge, no occurrence of c.7173C>T in individuals affected with COL6A3-related conditions and no experimental evidence demonstrating its impact on protein function have been reported. ClinVar contains an entry for this variant (Variation ID: 281614). Based on the evidence outlined above, the variant was classified as uncertain significance.

Eurofins Ntd Llc (ga)
Classification: Uncertain significance. Last evaluated: 2018-02-06. Review status: criteria provided, single submitter. Criteria: EGL Classification Definitions 2015. Collection method: clinical testing. Allele origin: germline. Observed: 3 variant alleles, 3 heterozygotes.

Illumina Laboratory Services, Illumina
Classification: Benign for Collagen VI-related myopathy. Last evaluated: 2018-01-13. Review status: criteria provided, single submitter. Criteria: ICSL Variant Classification Criteria 13 December 2019. Collection method: clinical testing. Allele origin: germline.
Comment: This variant was observed in the ICSL laboratory as part of a predisposition screen in an ostensibly healthy population. It had not been previously curated by ICSL or reported in the Human Gene Mutation Database (HGMD: prior to June 1st, 2018), and was therefore a candidate for classification through an automated scoring system. Utilizing variant allele frequency, disease prevalence and penetrance estimates, and inheritance mode, an automated score was calculated to assess if this variant is too frequent to cause the disease. Based on the score and internal cut-off values, a variant classified as benign is not then subjected to further curation. The score for this variant resulted in a classification of benign for this disease.

NM_004369.4(COL6A3):c.7173C>T (p.Tyr2391=)

Gene: COL6A3 (collagen type VI alpha 3 chain; minus strand). Cytogenetic location: 2q37.3.
Variant type: single nucleotide variant.
Coding change: c.7173C>T on transcript NM_004369.4 (MANE Select); coding-DNA position 7173, C replaced by T.
Protein change: p.Tyr2391=; no amino-acid change (tyrosine 2391 retained).
Molecular consequence: synonymous variant.
Genome position (GRCh38, 1-based): chr2:237,344,942, G>A on the plus strand (C>T on the coding strand, the complement: COL6A3 is on the minus strand). VCF-style: chr2-237344942-G-A. GRCh37 (hg19) VCF-style: chr2-238253585-G-A.
Other names: c.5352C>T, p.Tyr1784= (NM_057166.5); c.6555C>T, p.Tyr2185= (NM_057167.4).
Identifiers: ClinVar variation 281614 (VCV000281614.20), dbSNP rs114248590, ClinGen allele CA2187879.